The following is an entry in ClinVar:

NM_001606.5(ABCA2):c.965C>T (p.Ala322Val)

Gene: ABCA2 (ATP binding cassette subfamily A member 2; minus strand). Cytogenetic location: 9q34.3.
Variant type: single nucleotide variant.
Coding change: c.965C>T on transcript NM_001606.5 (MANE Select); coding-DNA position 965, C replaced by T.
Protein change: p.Ala322Val; replaces alanine 322 with valine.
Molecular consequence: missense variant.
Genome position (GRCh38, 1-based): chr9:137,020,994, G>A on the plus strand (C>T on the coding strand, the complement: ABCA2 is on the minus strand). VCF-style: chr9-137020994-G-A. GRCh37 (hg19) VCF-style: chr9-139915446-G-A.
Other names: c.962C>T, p.Ala321Val (NM_001411042.1); c.1055C>T, p.Ala352Val (NM_212533.3); short protein forms A321V, A322V, A352V.
Identifiers: ClinVar variation 3511534 (VCV003511534.2).

ClinVar aggregate classification (germline): Uncertain significance. Review status: criteria provided, multiple submitters, no conflicts (2 of 4 stars). 2 submissions from 2 submitters: Uncertain significance (2). Last evaluated 2025-07-29.

gnomAD v4.1: 39 of 1,511,934 alleles (0.0026%); highest among the groups gnomAD compares: African/African-American, 0.017%; no homozygotes.

Submissions (2):

GeneDx
Classification: Uncertain significance. Last evaluated: 2025-07-29. Review status: criteria provided, single submitter. Criteria: GeneDx Variant Classification Process June 2021. Collection method: clinical testing. Allele origin: germline. Affected: yes.
Comment: In silico analysis suggests that this missense variant does not alter protein structure/function; In silico analysis suggests this variant may impact gene splicing. In the absence of RNA/functional studies, the actual effect of this sequence change is unknown.; Has not been previously published as pathogenic or benign to our knowledge

Ambry Genetics
Classification: Uncertain significance. Last evaluated: 2024-09-30. Review status: criteria provided, single submitter. Criteria: Ambry Variant Classification Scheme 2023. Collection method: clinical testing. Allele origin: germline.